The following is an entry in ClinVar:

ClinVar aggregate classification (germline): Uncertain significance (1 of 4 stars; one submission).

Conditions:
Alstrom syndrome (ALMS). Identifiers: Orphanet 64, MedGen C0268425, MONDO:0008763, OMIM 203800.

Submission:

Labcorp Genetics (formerly Invitae), Labcorp
Classification: Uncertain significance for Alstrom syndrome. Last evaluated: 2024-01-08. Review status: criteria provided, single submitter. Criteria: Invitae Variant Classification Sherloc (09022015). Collection method: clinical testing. Allele origin: germline.
Comment: This sequence change replaces proline, which is neutral and non-polar, with leucine, which is neutral and non-polar, at codon 1935 of the ALMS1 protein (p.Pro1935Leu). This variant is not present in population databases (gnomAD no frequency). This variant has not been reported in the literature in individuals affected with ALMS1-related conditions. ClinVar contains an entry for this variant (Variation ID: 2074895). Experimental studies and prediction algorithms are not available or were not evaluated, and the functional significance of this variant is currently unknown. In summary, the available evidence is currently insufficient to determine the role of this variant in disease. Therefore, it has been classified as a Variant of Uncertain Significance.

NM_001378454.1(ALMS1):c.5801C>T (p.Pro1934Leu)

Gene: ALMS1 (ALMS1 centrosome and basal body associated protein; plus strand). Cytogenetic location: 2p13.1.
Variant type: single nucleotide variant.
Coding change: c.5801C>T on transcript NM_001378454.1 (MANE Select); coding-DNA position 5801, C replaced by T.
Protein change: p.Pro1934Leu; replaces proline 1934 with leucine.
Molecular consequence: missense variant.
Genome position (GRCh38, 1-based): chr2:73,452,328, C>T. VCF-style: chr2-73452328-C-T. GRCh37 (hg19) VCF-style: chr2-73679455-C-T.
Other names: c.5804C>T, p.Pro1935Leu (NM_015120.4); short protein forms P1934L, P1935L.
Identifiers: ClinVar variation 2074895 (VCV002074895.3), dbSNP rs1295004475, ClinGen allele CA347283355.